The following is an entry in ClinVar:

NM_024854.5(PYROXD1):c.778A>G (p.Met260Val)

Gene: PYROXD1 (pyridine nucleotide-disulphide oxidoreductase domain 1; plus strand). Cytogenetic location: 12p12.1.
Variant type: single nucleotide variant.
Coding change: c.778A>G on transcript NM_024854.5 (MANE Select); coding-DNA position 778, A replaced by G.
Protein change: p.Met260Val; replaces methionine 260 with valine.
Molecular consequence: missense variant. On other transcripts: initiator codon variant (1).
Genome position (GRCh38, 1-based): chr12:21,461,052, A>G. VCF-style: chr12-21461052-A-G. GRCh37 (hg19) VCF-style: chr12-21613986-A-G.
Other names: c.565A>G, p.Met189Val (NM_001350912.2); c.1A>G, p.Met1Val (NM_001350913.2); short protein forms M1V, M189V, M260V.
Identifiers: ClinVar variation 2069266 (VCV002069266.3), dbSNP rs1487213516, ClinGen allele CA384109109.

ClinVar aggregate classification (germline): Uncertain significance (1 of 4 stars; one submission).

Allele frequency attached by ClinVar (database versions not stated): gnomAD exomes 0.00001.
gnomAD v4.1: 8 of 1,558,034 alleles (0.00051%); highest among the groups gnomAD compares: Non-Finnish European, 0.0007%; no homozygotes.

Submission:

Labcorp Genetics (formerly Invitae), Labcorp
Classification: Uncertain significance. Last evaluated: 2022-01-15. Review status: criteria provided, single submitter. Criteria: Invitae Variant Classification Sherloc (09022015). Collection method: clinical testing. Allele origin: germline.
Comment: The frequency data for this variant in the population databases is considered unreliable, as metrics indicate poor data quality at this position in the gnomAD database. In summary, the available evidence is currently insufficient to determine the role of this variant in disease. Therefore, it has been classified as a Variant of Uncertain Significance. Algorithms developed to predict the effect of sequence changes on RNA splicing suggest that this variant may create or strengthen a splice site. Algorithms developed to predict the effect of missense changes on protein structure and function output the following: SIFT: "Tolerated"; PolyPhen-2: "Benign"; Align-GVGD: "Class C0". The valine amino acid residue is found in multiple mammalian species, which suggests that this missense change does not adversely affect protein function. This variant has not been reported in the literature in individuals affected with PYROXD1-related conditions. This sequence change replaces methionine, which is neutral and non-polar, with valine, which is neutral and non-polar, at codon 260 of the PYROXD1 protein (p.Met260Val).